The following is an entry in ClinVar:

NM_001048166.1(STIL):c.2242T>C (p.Ser748Pro)

Gene: STIL (STIL centriolar assembly protein; minus strand). Cytogenetic location: 1p33.
Variant type: single nucleotide variant.
Coding change: c.2242T>C on transcript NM_001048166.1 (MANE Select); coding-DNA position 2242, T replaced by C.
Protein change: p.Ser748Pro; replaces serine 748 with proline.
Molecular consequence: missense variant.
Genome position (GRCh38, 1-based): chr1:47,272,217, A>G on the plus strand (T>C on the coding strand, the complement: STIL is on the minus strand). VCF-style: chr1-47272217-A-G. GRCh37 (hg19) VCF-style: chr1-47737889-A-G.
Other names: c.2242T>C, p.Ser748Pro (NM_001282936.1, NM_001282937.1, NM_003035.2); c.2101T>C, p.Ser701Pro (NM_001282938.1, NM_001282939.1, NM_001377417.1); short protein forms S701P, S748P.
Identifiers: ClinVar variation 1927655 (VCV001927655.5), dbSNP rs1644862674, ClinGen allele CA340244202.

ClinVar aggregate classification (germline): Uncertain significance (1 of 4 stars; one submission).

Allele frequency attached by ClinVar (database versions not stated): TOPMed below 0.00001.

Submission:

Labcorp Genetics (formerly Invitae), Labcorp
Classification: Uncertain significance. Last evaluated: 2024-05-06. Review status: criteria provided, single submitter. Criteria: Invitae Variant Classification Sherloc (09022015). Collection method: clinical testing. Allele origin: germline.
Comment: This sequence change replaces serine, which is neutral and polar, with proline, which is neutral and non-polar, at codon 748 of the STIL protein (p.Ser748Pro). This variant is not present in population databases (gnomAD no frequency). This variant has not been reported in the literature in individuals affected with STIL-related conditions. ClinVar contains an entry for this variant (Variation ID: 1927655). Advanced modeling of protein sequence and biophysical properties (such as structural, functional, and spatial information, amino acid conservation, physicochemical variation, residue mobility, and thermodynamic stability) performed at Invitae indicates that this missense variant is expected to disrupt STIL protein function with a positive predictive value of 80%. In summary, the available evidence is currently insufficient to determine the role of this variant in disease. Therefore, it has been classified as a Variant of Uncertain Significance.